The following is an entry in ClinVar:

ClinVar aggregate classification (germline): Pathogenic. Review status: criteria provided, multiple submitters, no conflicts (2 of 4 stars). 2 submissions from 2 submitters: Pathogenic (2). Last evaluated 2024-01-01.

Conditions:
Kabuki syndrome. Also called: Kabuki make-up syndrome; NIIKAWA-KUROKI SYNDROME. Identifiers: Orphanet 2322, MedGen C0796004, MONDO:0016512.
Kabuki syndrome 1 (KABUK1). Also called: KMT2D-Related Kabuki Syndrome. Identifiers: Orphanet 2322, MedGen CN030661, MONDO:0007843, OMIM 147920.

Submissions (2):

Daryl Scott Lab, Baylor College of Medicine
Classification: Pathogenic for Kabuki syndrome 1. Last evaluated: 2024-01-01. Review status: criteria provided, single submitter. Criteria: ACMG Guidelines, 2015. Collection method: clinical testing. Allele origin: de novo. Affected: yes. Observed: 1 heterozygote.
Comment: PVS1, PS2, PS4, PM2

Labcorp Genetics (formerly Invitae), Labcorp
Classification: Pathogenic for Kabuki syndrome. Last evaluated: 2022-09-01. Review status: criteria provided, single submitter. Criteria: Invitae Variant Classification Sherloc (09022015). Collection method: clinical testing. Allele origin: germline.
Comment: For these reasons, this variant has been classified as Pathogenic. This premature translational stop signal has been observed in individual(s) with Kabuki syndrome (PMID: 31654559). This variant is not present in population databases (gnomAD no frequency). This sequence change creates a premature translational stop signal (p.Gln3605*) in the KMT2D gene. It is expected to result in an absent or disrupted protein product. Loss-of-function variants in KMT2D are known to be pathogenic (PMID: 22126750).

Literature cited by the submitters: PubMed 31654559 (cited by Labcorp Genetics (formerly Invitae), Labcorp); PubMed 22126750 (cited by Labcorp Genetics (formerly Invitae), Labcorp).

NM_003482.4(KMT2D):c.10813C>T (p.Gln3605Ter)

Gene: KMT2D (lysine methyltransferase 2D; minus strand). Cytogenetic location: 12q13.12.
Variant type: single nucleotide variant.
Coding change: c.10813C>T on transcript NM_003482.4 (MANE Select); coding-DNA position 10813, C replaced by T.
Protein change: p.Gln3605Ter; replaces glutamine 3605 with a stop codon.
Molecular consequence: nonsense.
Genome position (GRCh38, 1-based): chr12:49,033,892, G>A on the plus strand (C>T on the coding strand, the complement: KMT2D is on the minus strand). VCF-style: chr12-49033892-G-A. GRCh37 (hg19) VCF-style: chr12-49427675-G-A.
Other names: short protein forms Q3605*.
Identifiers: ClinVar variation 1917932 (VCV001917932.6), dbSNP rs2120448780, ClinGen allele CA384725940.
Genomic context (GRCh38, chr12:49,033,892, plus strand): 5'-GACTCTGGGAAGGGCTGAGAGCCAGCACAGCTGAGTGCTGTTGCTGTTGTTGCTGCTGCT[G>A]CTGCTGTTGTTGCTGCTGCTTGTTCCGATATTCTGCCATGAGATTAGTGTGCTCCTTCTG-3'